The following is an entry in ClinVar:

NM_001042646.3(TRAK1):c.2633C>T (p.Pro878Leu)

Gene: TRAK1 (trafficking kinesin protein 1; plus strand). Cytogenetic location: 3p22.1.
Variant type: single nucleotide variant.
Coding change: c.2633C>T on transcript NM_001042646.3 (MANE Select); coding-DNA position 2633, C replaced by T.
Protein change: p.Pro878Leu; replaces proline 878 with leucine.
Molecular consequence: missense variant. On other transcripts: 3 prime UTR variant (1), non-coding transcript variant (1).
Genome position (GRCh38, 1-based): chr3:42,223,508, C>T. VCF-style: chr3-42223508-C-T. GRCh37 (hg19) VCF-style: chr3-42265000-C-T.
Other names: c.2258C>T, p.Pro753Leu (NM_001349245.1); c.2570C>T, p.Pro857Leu (NM_001349246.2); c.*587C>T (NM_001349247.2); c.2348C>T, p.Pro783Leu (NM_001349248.1); c.2411C>T, p.Pro804Leu (NM_001349249.1); c.2459C>T, p.Pro820Leu (NM_001410741.1); short protein forms P783L, P820L, P878L, P753L, P804L, P857L.
Identifiers: ClinVar variation 2976662 (VCV002976662.3), dbSNP rs367958964, ClinGen allele CA2333905.

ClinVar aggregate classification (germline): Uncertain significance (1 of 4 stars; one submission).

Allele frequency attached by ClinVar (database versions not stated): ExAC 0.00003; gnomAD 0.00003; gnomAD exomes 0.00003; TOPMed 0.00004; ESP Exome Variant Server 0.00008.
gnomAD v4.1: 49 of 1,613,430 alleles (0.003%); highest among the groups gnomAD compares: Non-Finnish European, 0.0039%; no homozygotes.

Submission:

Labcorp Genetics (formerly Invitae), Labcorp
Classification: Uncertain significance. Last evaluated: 2022-12-28. Review status: criteria provided, single submitter. Criteria: Invitae Variant Classification Sherloc (09022015). Collection method: clinical testing. Allele origin: germline.
Comment: This sequence change replaces proline, which is neutral and non-polar, with leucine, which is neutral and non-polar, at codon 878 of the TRAK1 protein (p.Pro878Leu). In summary, the available evidence is currently insufficient to determine the role of this variant in disease. Therefore, it has been classified as a Variant of Uncertain Significance. Algorithms developed to predict the effect of missense changes on protein structure and function (SIFT, PolyPhen-2, Align-GVGD) all suggest that this variant is likely to be tolerated. This variant has not been reported in the literature in individuals affected with TRAK1-related conditions. This variant is present in population databases (rs367958964, gnomAD 0.005%).